The following is an entry in ClinVar:

NC_000011.9:g.(?_103325894)_(103349981_?)del

Gene: DYNC2H1 (dynein cytoplasmic 2 heavy chain 1; plus strand). Cytogenetic location: 11q22.3.
Variant type: Deletion.
Identifiers: ClinVar variation 1456954 (VCV001456954.5).

ClinVar aggregate classification (germline): Pathogenic (1 of 4 stars; one submission).

Conditions:
Jeune thoracic dystrophy. Also called: Jeune syndrome; Infantile thoracic dystrophy; Thoracic pelvic phalangeal dystrophy; Jeune's syndrome; Chondroectodermal dysplasia-like syndrome; Short-rib thoracic dysplasia. Identifiers: Orphanet 474, MedGen C0265275, MONDO:0018770.

Submission:

Labcorp Genetics (formerly Invitae), Labcorp
Classification: Pathogenic for Jeune thoracic dystrophy. Last evaluated: 2023-12-23. Review status: criteria provided, single submitter. Criteria: Invitae Variant Classification Sherloc (09022015). Collection method: clinical testing. Allele origin: germline.
Comment: This variant is a gross deletion of the genomic region encompassing exon(s) 87-90 of the DYNC2H1 gene, which includes the termination codon. This deletion extends beyond the assayed region for this gene and therefore may encompass additional genes. While this deletion is not anticipated to lead to nonsense mediated decay, it is expected to alter mRNA translation or result in a truncated protein product. This variant has not been reported in the literature in individuals affected with DYNC2H1-related conditions. This variant disrupts a region of the DYNC2H1 protein in which other variant(s) (c.12480_13556del) have been determined to be pathogenic (PMID: 23456818). This suggests that this is a clinically significant region of the protein, and that variants that disrupt it are likely to be disease-causing. For these reasons, this variant has been classified as Pathogenic.

Literature cited by the submitters: PubMed 23456818.